The following is an entry in ClinVar:

ClinVar aggregate classification (germline): Uncertain significance (1 of 4 stars; one submission).

Submission:

Labcorp Genetics (formerly Invitae), Labcorp
Classification: Uncertain significance. Last evaluated: 2024-02-23. Review status: criteria provided, single submitter. Criteria: Invitae Variant Classification Sherloc (09022015). Collection method: clinical testing. Allele origin: germline.
Comment: This sequence change replaces valine, which is neutral and non-polar, with alanine, which is neutral and non-polar, at codon 381 of the MYH3 protein (p.Val381Ala). This variant is present in population databases (no rsID available, gnomAD 0.003%). This variant has not been reported in the literature in individuals affected with MYH3-related conditions. An algorithm developed to predict the effect of missense changes on protein structure and function (PolyPhen-2) suggests that this variant is likely to be tolerated. In summary, the available evidence is currently insufficient to determine the role of this variant in disease. Therefore, it has been classified as a Variant of Uncertain Significance.

NM_002470.4(MYH3):c.1142T>C (p.Val381Ala)

Gene: MYH3 (myosin heavy chain 3; minus strand). Cytogenetic location: 17p13.1.
Variant type: single nucleotide variant.
Coding change: c.1142T>C on transcript NM_002470.4 (MANE Select); coding-DNA position 1142, T replaced by C.
Protein change: p.Val381Ala; replaces valine 381 with alanine.
Molecular consequence: missense variant.
Genome position (GRCh38, 1-based): chr17:10,644,702, A>G on the plus strand (T>C on the coding strand, the complement: MYH3 is on the minus strand). VCF-style: chr17-10644702-A-G. GRCh37 (hg19) VCF-style: chr17-10548019-A-G.
Other names: short protein forms V381A.
Identifiers: ClinVar variation 3699456 (VCV003699456.2).
Genomic context (GRCh38, chr17:10,644,702, plus strand): 5'-CACAAAGCTTTTAGGAGGTCCGAAGAGTTCAGGCCCATCAGATAGGCTGTTTTGTCAGCC[A>G]CTGGCAAGAAAACAAGGACAGTGCTTAGAAAAGTAGAAGAGCTGCTTTGAAAATCATCCA-3'
Protein context (NP_002461.2, residues 371-391): EEQAEPDGTE[Val381Ala]ADKTAYLMGL